The following is an entry in ClinVar:

ClinVar aggregate classification (germline): Uncertain significance (1 of 4 stars; one submission).

Allele frequency attached by ClinVar (database versions not stated): TOPMed below 0.00001.

Submission:

Labcorp Genetics (formerly Invitae), Labcorp
Classification: Uncertain significance. Last evaluated: 2023-01-25. Review status: criteria provided, single submitter. Criteria: Invitae Variant Classification Sherloc (09022015). Collection method: clinical testing. Allele origin: germline.
Comment: In summary, the available evidence is currently insufficient to determine the role of this variant in disease. Therefore, it has been classified as a Variant of Uncertain Significance. Advanced modeling of protein sequence and biophysical properties (such as structural, functional, and spatial information, amino acid conservation, physicochemical variation, residue mobility, and thermodynamic stability) performed at Invitae indicates that this missense variant is not expected to disrupt CFI protein function. This variant has not been reported in the literature in individuals affected with CFI-related conditions. This variant is not present in population databases (gnomAD no frequency). This sequence change replaces phenylalanine, which is neutral and non-polar, with serine, which is neutral and polar, at codon 139 of the CFI protein (p.Phe139Ser).

NM_000204.5(CFI):c.416T>C (p.Phe139Ser)

Gene: CFI (complement factor I; minus strand). Cytogenetic location: 4q25.
Variant type: single nucleotide variant.
Coding change: c.416T>C on transcript NM_000204.5 (MANE Select); coding-DNA position 416, T replaced by C.
Protein change: p.Phe139Ser; replaces phenylalanine 139 with serine.
Molecular consequence: missense variant. On other transcripts: non-coding transcript variant (3), intron variant (1).
Genome position (GRCh38, 1-based): chr4:109,764,603, A>G on the plus strand (T>C on the coding strand, the complement: CFI is on the minus strand). VCF-style: chr4-109764603-A-G. GRCh37 (hg19) VCF-style: chr4-110685759-A-G.
Other names: c.416T>C, p.Phe139Ser (NM_001318057.2, NM_001331035.2, NM_001375278.1 and 5 more transcripts); c.-127-2911T>C (NM_001375284.1); short protein forms F139S.
Identifiers: ClinVar variation 2831802 (VCV002831802.3), dbSNP rs1727496970, ClinGen allele CA357863945.